The following is an entry in ClinVar:

NM_007347.5(AP4E1):c.2767A>G (p.Asn923Asp)

Gene: AP4E1 (adaptor related protein complex 4 subunit epsilon 1; plus strand). Cytogenetic location: 15q21.2.
Variant type: single nucleotide variant.
Coding change: c.2767A>G on transcript NM_007347.5 (MANE Select); coding-DNA position 2767, A replaced by G.
Protein change: p.Asn923Asp; replaces asparagine 923 with aspartic acid.
Molecular consequence: missense variant.
Genome position (GRCh38, 1-based): chr15:50,997,746, A>G. VCF-style: chr15-50997746-A-G. GRCh37 (hg19) VCF-style: chr15-51289943-A-G.
Other names: c.2542A>G, p.Asn848Asp (NM_001252127.2); short protein forms N848D, N923D.
Identifiers: ClinVar variation 1383351 (VCV001383351.6), dbSNP rs1245295225, ClinGen allele CA392420690.
Genomic context (GRCh38, chr15:50,997,746, plus strand): 5'-GCTTCATCTTTTTTGGAAGAAACTACTGAATACATACACTCAAATGCTATGGAAGTCTGT[A>G]ATAATGAAACTATATCAGTGTCTTCTTATAAAATTTGGAAAGATGATTGTTTATTGATGG-3'
Protein context (NP_031373.2, residues 913-933): YIHSNAMEVC[Asn923Asp]NETISVSSYK

ClinVar aggregate classification (germline): Uncertain significance (1 of 4 stars; one submission).

Conditions:
Spastic paraplegia. Identifiers: MedGen C0037772, HP:0001258.

Allele frequency attached by ClinVar (database versions not stated): TOPMed below 0.00001; gnomAD 0.00001.
gnomAD v4.1: 1 of 1,613,622 alleles (0.000062%); highest among the groups gnomAD compares: Non-Finnish European, 0.000085%; no homozygotes.

Submission:

Labcorp Genetics (formerly Invitae), Labcorp
Classification: Uncertain significance for Spastic paraplegia. Last evaluated: 2021-09-26. Review status: criteria provided, single submitter. Criteria: Invitae Variant Classification Sherloc (09022015). Collection method: clinical testing. Allele origin: germline.
Comment: Algorithms developed to predict the effect of missense changes on protein structure and function (SIFT, PolyPhen-2, Align-GVGD) all suggest that this variant is likely to be tolerated. In summary, the available evidence is currently insufficient to determine the role of this variant in disease. Therefore, it has been classified as a Variant of Uncertain Significance. This variant has not been reported in the literature in individuals affected with AP4E1-related conditions. This variant is not present in population databases (ExAC no frequency). This sequence change replaces asparagine with aspartic acid at codon 923 of the AP4E1 protein (p.Asn923Asp). The asparagine residue is weakly conserved and there is a small physicochemical difference between asparagine and aspartic acid.